The following is an entry in ClinVar:

NM_153717.3(EVC):c.1454del (p.Lys485fs)

Gene: EVC (EvC ciliary complex subunit 1; plus strand). Cytogenetic location: 4p16.2.
Variant type: Deletion.
Coding change: c.1454del on transcript NM_153717.3 (MANE Select); coding-DNA position 1454, one base deleted (A; older notation c.1454delA).
Protein change: p.Lys485fs; shifts the reading frame from lysine 485.
Molecular consequence: frameshift variant.
Genome position (GRCh38, 1-based): chr4:5,753,923, A deleted; the last of 4 consecutive A bases (chr4:5,753,920-5,753,923); deleting any one gives the same sequence. VCF-style (leftmost placement, unchanged base first): chr4-5753919-GA-G. GRCh37 (hg19) VCF-style: chr4-5755646-GA-G.
Other names: c.1454del, p.Lys485fs (NM_001306090.2, NM_001306092.2); short protein forms K485fs.
Identifiers: ClinVar variation 5012454 (VCV005012454.1).

ClinVar aggregate classification (germline): Pathogenic (1 of 4 stars; one submission).

Conditions:
Ellis-van Creveld syndrome (EVC). Also called: MESOECTODERMAL DYSPLASIA; Chondroectodermal dysplasia. Identifiers: Orphanet 289, MedGen C0013903, MONDO:0009162, OMIM 225500.

Submission:

Myriad Genetics, Inc.
Classification: Pathogenic for Ellis-van Creveld syndrome. Last evaluated: 2023-11-03. Review status: criteria provided, single submitter. Criteria: Myriad Autosomal Dominant, Autosomal Recessive and X-Linked Classification Criteria (2023). Collection method: clinical testing. Allele origin: unknown.
Comment: NM_153717.2(EVC):c.1454delA(K485Sfs*15) is expected to be pathogenic in the context of EVC-related Ellis-van Creveld syndrome. This variant is predicted to lead to an abnormal or absent protein product due to the creation of a premature termination codon in EVC, a gene where loss-of-function variants are known to be pathogenic. Please note: this variant was assessed in the context of healthy population screening.